The following is an entry in ClinVar:

NM_003850.3(SUCLA2):c.64C>T (p.Arg22Trp)

Genes: SUCLA2 (succinate-CoA ligase ADP-forming subunit beta; minus strand), LOC130009747 (ATAC-STARR-seq lymphoblastoid active region 7719; plus strand). Cytogenetic location: 13q14.2.
Variant type: single nucleotide variant.
Coding change: c.64C>T on transcript NM_003850.3 (MANE Select); coding-DNA position 64, C replaced by T.
Protein change: p.Arg22Trp; replaces arginine 22 with tryptophan.
Molecular consequence: missense variant.
Genome position (GRCh38, 1-based): chr13:48,001,206, G>A on the plus strand (C>T on the coding strand, the complement: SUCLA2 is on the minus strand). VCF-style: chr13-48001206-G-A. GRCh37 (hg19) VCF-style: chr13-48575342-G-A.
Other names: p.R22W:CGG>TGG; short protein forms R22W.
Identifiers: ClinVar variation 203951 (VCV000203951.1), dbSNP rs752527887, ClinGen allele CA313010.

ClinVar aggregate classification (germline): Likely benign (1 of 4 stars; one submission).

Allele frequency attached by ClinVar (database versions not stated): gnomAD exomes below 0.00001 and 0.00001; TOPMed below 0.00001; ExAC 0.00001; gnomAD 0.00001.

Submission:

GeneDx
Classification: Likely benign. Last evaluated: 2013-04-25. Review status: criteria provided, single submitter. Criteria: GeneDx Variant Classification (06012015). Collection method: clinical testing. Allele origin: germline. Affected: yes.
Comment: This variant is considered likely benign or benign based on one or more of the following criteria: it is a conservative change, it occurs at a poorly conserved position in the protein, it is predicted to be benign by multiple in silico algorithms, and/or has population frequency not consistent with disease.